The following is an entry in ClinVar:

NM_000051.4(ATM):c.2893G>C (p.Asp965His)

Gene: ATM (ATM serine/threonine kinase; plus strand). Cytogenetic location: 11q22.3.
Variant type: single nucleotide variant.
Coding change: c.2893G>C on transcript NM_000051.4 (MANE Select); coding-DNA position 2893, G replaced by C.
Protein change: p.Asp965His; replaces aspartic acid 965 with histidine.
Molecular consequence: missense variant.
Genome position (GRCh38, 1-based): chr11:108,271,118, G>C. VCF-style: chr11-108271118-G-C. GRCh37 (hg19) VCF-style: chr11-108141845-G-C.
Other names: c.2893G>C, p.Asp965His (NM_001351834.2); short protein forms D965H.
Identifiers: ClinVar variation 418028 (VCV000418028.11), dbSNP rs1064793035, ClinGen allele CA16619150.

ClinVar aggregate classification (germline): Uncertain significance. Review status: criteria provided, multiple submitters, no conflicts (2 of 4 stars). 3 submissions from 3 submitters: Uncertain significance (3). Last evaluated 2025-05-25.

Conditions:
Hereditary cancer-predisposing syndrome. Also called: Tumor predisposition; Neoplastic Syndromes, Hereditary; Hereditary Cancer Syndrome; Hereditary neoplastic syndrome. Identifiers: Orphanet 140162, MedGen C0027672, MeSH D009386, MONDO:0015356.
Ataxia-telangiectasia syndrome (AT). Also called: Ataxia-telangiectasia; Cerebello-oculocutaneous telangiectasia; Immunodeficiency with ataxia telangiectasia; ATAXIA-TELANGIECTASIA, COMPLEMENTATION GROUP A; ATAXIA-TELANGIECTASIA, FRESNO VARIANT; Ataxia-telangiectasia, complementation group D. Identifiers: Orphanet 100, MedGen C0004135, MONDO:0008840, OMIM 208900.

Submissions (3):

Ambry Genetics
Classification: Uncertain significance for Hereditary cancer-predisposing syndrome. Last evaluated: 2025-05-25. Review status: criteria provided, single submitter. Criteria: Ambry Variant Classification Scheme 2023. Collection method: clinical testing. Allele origin: germline.
Comment: The p.D965H variant (also known as c.2893G>C), located in coding exon 18 of the ATM gene, results from a G to C substitution at nucleotide position 2893. The aspartic acid at codon 965 is replaced by histidine, an amino acid with similar properties. This amino acid position is not well conserved in available vertebrate species. In addition, this alteration is predicted to be tolerated by in silico analysis. Based on the available evidence, the clinical significance of this variant remains unclear.

Labcorp Genetics (formerly Invitae), Labcorp
Classification: Uncertain significance for Ataxia-telangiectasia syndrome. Last evaluated: 2024-05-21. Review status: criteria provided, single submitter. Criteria: Invitae Variant Classification Sherloc (09022015). Collection method: clinical testing. Allele origin: germline.
Comment: This sequence change replaces aspartic acid, which is acidic and polar, with histidine, which is basic and polar, at codon 965 of the ATM protein (p.Asp965His). This variant is not present in population databases (gnomAD no frequency). This variant has not been reported in the literature in individuals affected with ATM-related conditions. ClinVar contains an entry for this variant (Variation ID: 418028). An algorithm developed to predict the effect of missense changes on protein structure and function (PolyPhen-2) suggests that this variant is likely to be disruptive. In summary, the available evidence is currently insufficient to determine the role of this variant in disease. Therefore, it has been classified as a Variant of Uncertain Significance.

GeneDx
Classification: Uncertain significance. Last evaluated: 2016-07-08. Review status: criteria provided, single submitter. Criteria: GeneDx Variant Classification (06012015). Collection method: clinical testing. Allele origin: germline. Affected: yes.
Comment: This variant is denoted ATM c.2893G>C at the cDNA level, p.Asp965His (D965H) at the protein level, and results in the change of an Aspartic Acid to a Histidine (GAT>CAT). This variant has not, to our knowledge, been published in the literature as pathogenic or benign. ATM Asp965His was not observed in approximately 6,500 individuals of European and African American ancestry in the NHLBI Exome Sequencing Project, suggesting it is not a common benign variant in these populations. Since Aspartic Acid and Histidine differ in polarity, charge, size or other properties, this is considered a non-conservative amino acid substitution. ATM Asp965His occurs at a position where amino acids with properties similar to Aspartic Acid are tolerated across species and is located within the region required for beta-adaptin interaction (Tavtigian 2009). In silico analyses are inconsistent regarding the effect this variant may have on protein structure and function. Based on currently available evidence, it is unclear whether ATM Asp965His is a pathogenic or benign variant. We consider it to be a variant of uncertain significance.